The following is an entry in ClinVar:

NM_005045.4(RELN):c.9635G>A (p.Gly3212Glu)

Genes: SLC26A5-AS1 (SLC26A5 antisense RNA 1; plus strand), RELN (reelin; minus strand), LOC126860130 (BRD4-independent group 4 enhancer GRCh37_chr7:103130126-103131325; plus strand). Cytogenetic location: 7q22.1.
Variant type: single nucleotide variant.
Coding change: c.9635G>A on transcript NM_005045.4 (MANE Select); coding-DNA position 9635, G replaced by A.
Protein change: p.Gly3212Glu; replaces glycine 3212 with glutamic acid.
Molecular consequence: missense variant.
Genome position (GRCh38, 1-based): chr7:103,489,870, C>T on the plus strand (G>A on the coding strand, the complement: RELN is on the minus strand). VCF-style: chr7-103489870-C-T. GRCh37 (hg19) VCF-style: chr7-103130317-C-T.
Other names: c.9635G>A, p.Gly3212Glu (NM_173054.3); short protein forms G3212E.
Identifiers: ClinVar variation 2942154 (VCV002942154.3), dbSNP rs908256601, ClinGen allele CA163904106.
Genomic context (GRCh38, chr7:103,489,870, plus strand): 5'-GGGCAAGCCTCTCCAATGTACACGTGGTCAATTGCCCAGCTTTGCTTCTCAGTTTCTTCT[C>T]CCTTCTGGATCCAGCGGAACTGTGTTGCACTGAAAGAACCACAGAGAGCAGAAGGGATTC-3'
Protein context (NP_005036.2, residues 3202-3222): SATQFRWIQK[Gly3212Glu]EETEKQSWAI

ClinVar aggregate classification (germline): Uncertain significance (1 of 4 stars; one submission).

Conditions:
Familial temporal lobe epilepsy 7. Identifiers: Orphanet 101046, MedGen C4225327, MONDO:0014639, OMIM 616436.
Norman-Roberts syndrome (LIS2). Also called: Lissencephaly 2 (Norman-Roberts type). Identifiers: Orphanet 89844, MedGen C0796089, MONDO:0009760, OMIM 257320.

Allele frequency attached by ClinVar (database versions not stated): TOPMed 0.00001.
gnomAD v4.1: 1 of 1,614,032 alleles (0.000062%); highest among the groups gnomAD compares: Non-Finnish European, 0.000085%; no homozygotes.

Submission:

Labcorp Genetics (formerly Invitae), Labcorp
Classification: Uncertain significance for Familial temporal lobe epilepsy 7; Norman-Roberts syndrome. Last evaluated: 2023-09-19. Review status: criteria provided, single submitter. Criteria: Invitae Variant Classification Sherloc (09022015). Collection method: clinical testing. Allele origin: germline.
Comment: This variant is not present in population databases (gnomAD no frequency). This sequence change replaces glycine, which is neutral and non-polar, with glutamic acid, which is acidic and polar, at codon 3212 of the RELN protein (p.Gly3212Glu). This variant has not been reported in the literature in individuals affected with RELN-related conditions. In summary, the available evidence is currently insufficient to determine the role of this variant in disease. Therefore, it has been classified as a Variant of Uncertain Significance. Advanced modeling of protein sequence and biophysical properties (such as structural, functional, and spatial information, amino acid conservation, physicochemical variation, residue mobility, and thermodynamic stability) performed at Invitae indicates that this missense variant is not expected to disrupt RELN protein function.